The following is an entry in ClinVar:

NM_001271938.2(MEGF8):c.8227C>T (p.Pro2743Ser)

Gene: MEGF8 (multiple EGF like domains 8; plus strand). Cytogenetic location: 19q13.2.
Variant type: single nucleotide variant.
Coding change: c.8227C>T on transcript NM_001271938.2 (MANE Select); coding-DNA position 8227, C replaced by T.
Protein change: p.Pro2743Ser; replaces proline 2743 with serine.
Molecular consequence: missense variant.
Genome position (GRCh38, 1-based): chr19:42,376,464, C>T. VCF-style: chr19-42376464-C-T. GRCh37 (hg19) VCF-style: chr19-42880616-C-T.
Other names: c.8026C>T, p.Pro2676Ser (NM_001410.3); short protein forms P2743S, P2676S.
Identifiers: ClinVar variation 2094648 (VCV002094648.4), dbSNP rs758513082, ClinGen allele CA406143197.

ClinVar aggregate classification (germline): Uncertain significance (1 of 4 stars; one submission).

Conditions:
MEGF8-related Carpenter syndrome. Also called: Carpenter syndrome 2. Identifiers: Orphanet 65759, MedGen C3554247, MONDO:0013998, OMIM 614976.

Submission:

Labcorp Genetics (formerly Invitae), Labcorp
Classification: Uncertain significance for MEGF8-related Carpenter syndrome. Last evaluated: 2022-02-19. Review status: criteria provided, single submitter. Criteria: Invitae Variant Classification Sherloc (09022015). Collection method: clinical testing. Allele origin: germline.
Comment: This sequence change replaces proline, which is neutral and non-polar, with serine, which is neutral and polar, at codon 2676 of the MEGF8 protein (p.Pro2676Ser). In summary, the available evidence is currently insufficient to determine the role of this variant in disease. Therefore, it has been classified as a Variant of Uncertain Significance. Algorithms developed to predict the effect of missense changes on protein structure and function are either unavailable or do not agree on the potential impact of this missense change (SIFT: "Deleterious"; PolyPhen-2: "Possibly Damaging"; Align-GVGD: "Class C0"). This variant has not been reported in the literature in individuals affected with MEGF8-related conditions. This variant is not present in population databases (gnomAD no frequency).